The following is an entry in ClinVar:

ClinVar aggregate classification (germline): Uncertain significance (1 of 4 stars; one submission).

Conditions:
Nephronophthisis 12 (NPHP12). Identifiers: Orphanet 655, MedGen C3151186, MONDO:0013442, OMIM 613820.

Allele frequency attached by ClinVar (database versions not stated): gnomAD exomes below 0.00001.
gnomAD v4.1: 1 of 1,604,002 alleles (0.000062%); highest among the groups gnomAD compares: Non-Finnish European, 0.000085%; no homozygotes.

Submission:

Precision Medicine Center, Zhengzhou University
Classification: Uncertain significance for Nephronophthisis 12. Last evaluated: 2023-12-01. Review status: criteria provided, single submitter. Criteria: ACMG Guidelines, 2015. Collection method: clinical testing. Allele origin: maternal. Affected: yes.
Comment: PM2_p,PM3,PP3,PP4

NM_024753.5(TTC21B):c.262G>T (p.Asp88Tyr)

Gene: TTC21B (tetratricopeptide repeat domain 21B; minus strand). Cytogenetic location: 2q24.3.
Variant type: single nucleotide variant.
Coding change: c.262G>T on transcript NM_024753.5 (MANE Select); coding-DNA position 262, G replaced by T.
Protein change: p.Asp88Tyr; replaces aspartic acid 88 with tyrosine.
Molecular consequence: missense variant.
Genome position (GRCh38, 1-based): chr2:165,949,394, C>A on the plus strand (G>T on the coding strand, the complement: TTC21B is on the minus strand). VCF-style: chr2-165949394-C-A. GRCh37 (hg19) VCF-style: chr2-166805904-C-A.
Other names: short protein forms D88Y.
Identifiers: ClinVar variation 2681764 (VCV002681764.2), dbSNP rs2468254252.